The following is an entry in ClinVar:

ClinVar aggregate classification (germline): Uncertain significance. Review status: criteria provided, multiple submitters, no conflicts (2 of 4 stars). 2 submissions from 2 submitters: Uncertain significance (2). Last evaluated 2025-07-15.

Allele frequency attached by ClinVar (database versions not stated): TOPMed 0.00005; gnomAD 0.00006; gnomAD exomes 0.00006; ExAC 0.00007.
gnomAD v4.1: 96 of 1,613,964 alleles (0.0059%); highest among the groups gnomAD compares: Middle Eastern, 0.049%; no homozygotes.

Submissions (2):

Ambry Genetics
Classification: Uncertain significance. Last evaluated: 2025-07-15. Review status: criteria provided, single submitter. Criteria: Ambry Variant Classification Scheme 2023. Collection method: clinical testing. Allele origin: germline.

Labcorp Genetics (formerly Invitae), Labcorp
Classification: Uncertain significance. Last evaluated: 2024-03-09. Review status: criteria provided, single submitter. Criteria: Invitae Variant Classification Sherloc (09022015). Collection method: clinical testing. Allele origin: germline.
Comment: This sequence change replaces glutamine, which is neutral and polar, with arginine, which is basic and polar, at codon 94 of the LIPI protein (p.Gln94Arg). This variant is present in population databases (rs761238102, gnomAD 0.01%). This variant has not been reported in the literature in individuals affected with LIPI-related conditions. ClinVar contains an entry for this variant (Variation ID: 2456914). Algorithms developed to predict the effect of missense changes on protein structure and function output the following: SIFT: "Not Available"; PolyPhen-2: "Benign"; Align-GVGD: "Not Available". The arginine amino acid residue is found in multiple mammalian species, which suggests that this missense change does not adversely affect protein function. In summary, the available evidence is currently insufficient to determine the role of this variant in disease. Therefore, it has been classified as a Variant of Uncertain Significance.

NM_001302998.2(LIPI):c.218A>G (p.Gln73Arg)

Gene: LIPI (lipase I; minus strand). Cytogenetic location: 21q11.2.
Variant type: single nucleotide variant.
Coding change: c.218A>G on transcript NM_001302998.2 (MANE Select); coding-DNA position 218, A replaced by G.
Protein change: p.Gln73Arg; replaces glutamine 73 with arginine.
Molecular consequence: missense variant. On other transcripts: intron variant (1).
Genome position (GRCh38, 1-based): chr21:14,189,248, T>C on the plus strand (A>G on the coding strand, the complement: LIPI is on the minus strand). VCF-style: chr21-14189248-T-C. GRCh37 (hg19) VCF-style: chr21-15561569-T-C.
Other names: c.218A>G, p.Gln73Arg (NM_001302999.2, NM_001303000.2, NM_001303001.2 and 1 more transcripts); c.83A>G, p.Gln28Arg (NM_198996.4); c.47-7389A>G (NM_001379566.1); short protein forms Q73R, Q28R.
Identifiers: ClinVar variation 2456914 (VCV002456914.5), dbSNP rs761238102, ClinGen allele CA9979736.
Genomic context (GRCh38, chr21:14,189,248, plus strand): 5'-AGCCATAATGGGATGGAGCCTACTGGTCTGTATCCGTGAATAAGCCAGACTGTTTTCTTT[T>C]GTGTGTTGAAATTAACATTAAGTGAGTTATTTTGTTCAAACAGTGGCTCAGCACAGTTTA-3'
Protein context (NP_001289927.1, residues 63-83): NNSLNVNFNT[Gln73Arg]KKTVWLIHGY